The following is an entry in ClinVar:

ClinVar aggregate classification (germline): Uncertain significance (1 of 4 stars; one submission).

Submission:

GeneDx
Classification: Uncertain significance. Last evaluated: 2019-06-14. Review status: criteria provided, single submitter. Criteria: GeneDx Variant Classification Process June 2021. Collection method: clinical testing. Allele origin: germline. Affected: yes.
Comment: Not observed in large population cohorts (Lek et al., 2016); Canonical splice site variant in a gene for which loss-of-function is not a known mechanism of disease; Has not been previously published as pathogenic or benign to our knowledge; Variants in candidate genes are classified as variants of uncertain significance in accordance with ACMG guidelines (Richards et al., 2015)

NM_197968.4(ZMYM2):c.1735+1G>A

Gene: ZMYM2 (zinc finger MYM-type containing 2; plus strand). Cytogenetic location: 13q12.11.
Variant type: single nucleotide variant.
Coding change: c.1735+1G>A on transcript NM_197968.4 (MANE Select); the canonical splice donor site of the intron after coding-DNA position 1735, G replaced by A.
Molecular consequence: splice donor variant.
Genome position (GRCh38, 1-based): chr13:20,026,763, G>A. VCF-style: chr13-20026763-G-A. GRCh37 (hg19) VCF-style: chr13-20600903-G-A.
Other names: c.1474+1G>A (NM_001353163.2); c.1735+1G>A (NM_001353157.2, NM_001353164.2, NM_001353159.2 and 5 more transcripts); c.1540+1G>A (NM_001353161.3).
Identifiers: ClinVar variation 1306345 (VCV001306345.2), dbSNP rs2140255213, ClinGen allele CA387672535.
Genomic context (GRCh38, chr13:20,026,763, plus strand): 5'-AGCCATATTGTTCAACTGCTTGTATGAACAGTCACAAGACAAAATATGCAAAATCACAAA[G>A]TAAGTTTCACATATTTGGACAGTTAAAAAAACTTTACAACGTAATTAATTTTTGCATAAA-3'